The following is an entry in ClinVar:

ClinVar aggregate classification (germline): Likely pathogenic (1 of 4 stars; one submission).

Conditions:
Hereditary spastic paraplegia 15 (SPG15). Also called: SPASTIC PARAPLEGIA 15, AUTOSOMAL RECESSIVE; KJELLIN SYNDROME; SPASTIC PARAPLEGIA AND RETINAL DEGENERATION. Identifiers: Orphanet 100996, MedGen C1849128, MONDO:0010044, OMIM 270700.

Submission:

Myriad Genetics, Inc.
Classification: Likely pathogenic for Hereditary spastic paraplegia 15. Last evaluated: 2022-03-24. Review status: criteria provided, single submitter. Criteria: Myriad Women's Health Autosomal Recessive and X-Linked Classification Criteria (2021). Collection method: clinical testing. Allele origin: unknown.
Comment: NM_015346.3(ZFYVE26):c.5559_5563del5(E1854Lfs*10) is expected to be pathogenic in the context of spastic paraplegia type 15. This variant is predicted to lead to an abnormal or absent protein product due to the creation of a premature termination codon in ZFYVE26, a gene where loss-of-function variants are known to be pathogenic. Please note: this variant was assessed in the context of healthy population screening.

NM_015346.4(ZFYVE26):c.5559_5563del (p.Glu1854fs)

Gene: ZFYVE26 (zinc finger FYVE-type containing 26; minus strand). Cytogenetic location: 14q24.1.
Variant type: Deletion.
Coding change: c.5559_5563del on transcript NM_015346.4 (MANE Select); coding-DNA positions 5559 to 5563, 5 bases deleted (TGAAG; older notation c.5559_5563delTGAAG).
Protein change: p.Glu1854fs; shifts the reading frame from glutamic acid 1854.
Molecular consequence: frameshift variant.
Genome position (GRCh38, 1-based): chr14:67,769,652-67,769,656, CTTCA deleted on the plus strand (TGAAG on the coding strand, the reverse complement: ZFYVE26 is on the minus strand). VCF-style (leftmost placement, unchanged base first): chr14-67769651-CCTTCA-C. GRCh37 (hg19) VCF-style: chr14-68236368-CCTTCA-C.
Other names: short protein forms E1854fs.
Identifiers: ClinVar variation 1725462 (VCV001725462.2), dbSNP rs2502765922, ClinGen allele CA2580088673.